The following is an entry in ClinVar:

NM_024675.4(PALB2):c.3425T>A (p.Leu1142Ter)

Gene: PALB2 (partner and localizer of BRCA2; minus strand). Cytogenetic location: 16p12.2.
Variant type: single nucleotide variant.
Coding change: c.3425T>A on transcript NM_024675.4 (MANE Select); coding-DNA position 3425, T replaced by A.
Protein change: p.Leu1142Ter; replaces leucine 1142 with a stop codon.
Molecular consequence: nonsense.
Genome position (GRCh38, 1-based): chr16:23,603,595, A>T on the plus strand (T>A on the coding strand, the complement: PALB2 is on the minus strand). VCF-style: chr16-23603595-A-T. GRCh37 (hg19) VCF-style: chr16-23614916-A-T.
Other names: short protein forms L1142*.
Identifiers: ClinVar variation 546010 (VCV000546010.13), dbSNP rs1555457878, ClinGen allele CA395138197.

ClinVar aggregate classification (germline): Pathogenic/Likely pathogenic. Review status: criteria provided, multiple submitters, no conflicts (2 of 4 stars). 3 submissions from 3 submitters: Pathogenic (2); Likely pathogenic (1). Last evaluated 2023-05-25.

Conditions:
Familial cancer of breast. Also called: hereditary breast carcinoma; Hereditary breast cancer; BREAST CANCER, FAMILIAL. Identifiers: Orphanet 227535, MedGen C0346153, MONDO:0016419, OMIM 114480. Disease mechanism: loss of function.
PALB2-related disorder. Also called: PALB2-related condition; PALB2-related disorders.

Submissions (3):

Blueprint Genetics
Classification: Likely pathogenic for PALB2-related disorders. Last evaluated: 2023-05-25. Review status: criteria provided, single submitter. Criteria: ACMG Guidelines, 2015. Collection method: clinical testing. Allele origin: germline. Affected: yes. Observed: 1 variant allele.

Labcorp Genetics (formerly Invitae), Labcorp
Classification: Pathogenic for Familial cancer of breast. Last evaluated: 2019-08-29. Review status: criteria provided, single submitter. Criteria: Invitae Variant Classification Sherloc (09022015). Collection method: clinical testing. Allele origin: germline.
Comment: For these reasons, this variant has been classified as Pathogenic. This variant disrupts the C-terminus of the PALB2 protein. Other variant(s) that disrupt this region (p.Tyr1183*) have been determined to be pathogenic (PMID: 17200671, 20927582, 21165770, 21365267, 26283626). This suggests that variants that disrupt this region of the protein are likely to be causative of disease. This variant has not been reported in the literature in individuals with PALB2-related conditions. ClinVar contains an entry for this variant (Variation ID: 546010). This variant is not present in population databases (ExAC no frequency). This sequence change results in a premature translational stop signal in the PALB2 gene (p.Leu1142*). While this is not anticipated to result in nonsense mediated decay, it is expected to disrupt the last 45 amino acids of the PALB2 protein.

GeneDx
Classification: Pathogenic. Last evaluated: 2018-03-27. Review status: criteria provided, single submitter. Criteria: GeneDx Variant Classification (06012015). Collection method: clinical testing. Allele origin: germline. Affected: yes.
Comment: This variant is denoted PALB2 c.3425T>A at the cDNA level and p.Leu1142Ter (L1142X) at the protein level. The substitution creates a nonsense variant, which changes a Leucine to a premature stop codon (TTA>TAA), and is predicted to cause loss of normal protein function through protein truncation. Although this variant has not, to our knowledge, been reported in the literature, it is considered pathogenic.

Literature cited by the submitters: PubMed 17200671 (cited by Labcorp Genetics (formerly Invitae), Labcorp); PubMed 20927582 (cited by Labcorp Genetics (formerly Invitae), Labcorp); PubMed 21165770 (cited by Labcorp Genetics (formerly Invitae), Labcorp); PubMed 21365267 (cited by Labcorp Genetics (formerly Invitae), Labcorp); PubMed 26283626 (cited by Labcorp Genetics (formerly Invitae), Labcorp).